The following is an entry in ClinVar:

ClinVar aggregate classification (germline): Uncertain significance (1 of 4 stars; one submission).

gnomAD v4.1: 1 of 1,614,144 alleles (0.000062%); highest among the groups gnomAD compares: Non-Finnish European, 0.000085%; no homozygotes.

Submission:

Labcorp Genetics (formerly Invitae), Labcorp
Classification: Uncertain significance. Last evaluated: 2022-01-14. Review status: criteria provided, single submitter. Criteria: Invitae Variant Classification Sherloc (09022015). Collection method: clinical testing. Allele origin: germline.
Comment: This sequence change replaces cysteine, which is neutral and slightly polar, with tyrosine, which is neutral and polar, at codon 522 of the TPP1 protein (p.Cys522Tyr). This variant is not present in population databases (gnomAD no frequency). This variant has not been reported in the literature in individuals affected with TPP1-related conditions. Advanced modeling of protein sequence and biophysical properties (such as structural, functional, and spatial information, amino acid conservation, physicochemical variation, residue mobility, and thermodynamic stability) performed at Invitae indicates that this missense variant is not expected to disrupt TPP1 protein function. In summary, the available evidence is currently insufficient to determine the role of this variant in disease. Therefore, it has been classified as a Variant of Uncertain Significance.

NM_000391.4(TPP1):c.1565G>A (p.Cys522Tyr)

Gene: TPP1 (tripeptidyl peptidase 1; minus strand). Cytogenetic location: 11p15.4.
Variant type: single nucleotide variant.
Coding change: c.1565G>A on transcript NM_000391.4 (MANE Select); coding-DNA position 1565, G replaced by A.
Protein change: p.Cys522Tyr; replaces cysteine 522 with tyrosine.
Molecular consequence: missense variant.
Genome position (GRCh38, 1-based): chr11:6,614,673, C>T on the plus strand (G>A on the coding strand, the complement: TPP1 is on the minus strand). VCF-style: chr11-6614673-C-T. GRCh37 (hg19) VCF-style: chr11-6635904-C-T.
Other names: short protein forms C522Y.
Identifiers: ClinVar variation 1476004 (VCV001476004.5), dbSNP rs2134590511, ClinGen allele CA379472203.
Genomic context (GRCh38, chr11:6,614,673, plus strand): 5'-CAGCCAGGACCAGAGCAGAAACCCTGGCCCTCTACCTCTTCATCCAGACAGGACTCATGG[C>T]AGCCACGGGTTACCTAGGGAGGAGGCTGGCATCAGATCTGGGCCTACTAGTACCAGTACT-3'
Protein context (NP_000382.3, residues 512-532): GAGLFDVTRG[Cys522Tyr]HESCLDEEVE